The following is an entry in ClinVar:

ClinVar aggregate classification (germline): Uncertain significance (1 of 4 stars; one submission).

Allele frequency attached by ClinVar (database versions not stated): gnomAD exomes 0.00001; ExAC 0.00002; gnomAD 0.00002; TOPMed 0.00002.

Submission:

Labcorp Genetics (formerly Invitae), Labcorp
Classification: Uncertain significance. Last evaluated: 2023-10-13. Review status: criteria provided, single submitter. Criteria: Invitae Variant Classification Sherloc (09022015). Collection method: clinical testing. Allele origin: germline.
Comment: This sequence change replaces serine, which is neutral and polar, with glycine, which is neutral and non-polar, at codon 440 of the DGKE protein (p.Ser440Gly). This variant is present in population databases (rs778907403, gnomAD 0.009%). This variant has not been reported in the literature in individuals affected with DGKE-related conditions. ClinVar contains an entry for this variant (Variation ID: 1916862). Advanced modeling of protein sequence and biophysical properties (such as structural, functional, and spatial information, amino acid conservation, physicochemical variation, residue mobility, and thermodynamic stability) performed at Invitae indicates that this missense variant is not expected to disrupt DGKE protein function. In summary, the available evidence is currently insufficient to determine the role of this variant in disease. Therefore, it has been classified as a Variant of Uncertain Significance.

NM_003647.3(DGKE):c.1318A>G (p.Ser440Gly)

Gene: DGKE (diacylglycerol kinase epsilon; plus strand). Cytogenetic location: 17q22.
Variant type: single nucleotide variant.
Coding change: c.1318A>G on transcript NM_003647.3 (MANE Select); coding-DNA position 1318, A replaced by G.
Protein change: p.Ser440Gly; replaces serine 440 with glycine.
Molecular consequence: missense variant.
Genome position (GRCh38, 1-based): chr17:56,861,824, A>G. VCF-style: chr17-56861824-A-G. GRCh37 (hg19) VCF-style: chr17-54939185-A-G.
Other names: short protein forms S440G.
Identifiers: ClinVar variation 1916862 (VCV001916862.3), dbSNP rs778907403, ClinGen allele CA8663788.
Genomic context (GRCh38, chr17:56,861,824, plus strand): 5'-TCACTATCTATTTGTATTTCTTTAAAGCTAGAACTGGATGGTGAGCGAGTAGCACTGCCC[A>G]GCTTGGAAGGTATTATAGTTCTGAACATCGGATACTGGGGCGGTGGCTGCAGACTATGGG-3'
Protein context (NP_003638.1, residues 430-450): ELDGERVALP[Ser440Gly]LEGIIVLNIG